The following is an entry in ClinVar:

ClinVar aggregate classification (germline): Uncertain significance (1 of 4 stars; one submission).

Conditions:
Charcot-Marie-Tooth disease type 4. Also called: Charcot-Marie-Tooth, Type 4; Charcot-Marie-Tooth disease, type IV. Identifiers: Orphanet 64749, MedGen C4082197, MONDO:0018995.

Allele frequency attached by ClinVar (database versions not stated): gnomAD exomes 0.00001; ExAC 0.00008.

Submission:

Labcorp Genetics (formerly Invitae), Labcorp
Classification: Uncertain significance for Charcot-Marie-Tooth disease type 4. Last evaluated: 2021-05-30. Review status: criteria provided, single submitter. Criteria: Invitae Variant Classification Sherloc (09022015). Collection method: clinical testing. Allele origin: germline.
Comment: In summary, the available evidence is currently insufficient to determine the role of this variant in disease. Therefore, it has been classified as a Variant of Uncertain Significance. Algorithms developed to predict the effect of missense changes on protein structure and function are either unavailable or do not agree on the potential impact of this missense change (SIFT: "Tolerated"; PolyPhen-2: "Probably Damaging"; Align-GVGD: "Class C0"). This variant has not been reported in the literature in individuals with PRX-related conditions. While this variant is present in population databases (rs750022799), the frequency information is unreliable, as metrics indicate poor data quality at this position in the ExAC database. This sequence change replaces glycine with arginine at codon 274 of the PRX protein (p.Gly274Arg). The glycine residue is highly conserved and there is a moderate physicochemical difference between glycine and arginine.

NM_181882.3(PRX):c.820G>C (p.Gly274Arg)

Gene: PRX (periaxin; minus strand). Cytogenetic location: 19q13.2.
Variant type: single nucleotide variant.
Coding change: c.820G>C on transcript NM_181882.3 (MANE Select); coding-DNA position 820, G replaced by C.
Protein change: p.Gly274Arg; replaces glycine 274 with arginine.
Molecular consequence: missense variant. On other transcripts: 3 prime UTR variant (1).
Genome position (GRCh38, 1-based): chr19:40,397,532, C>G on the plus strand (G>C on the coding strand, the complement: PRX is on the minus strand). VCF-style: chr19-40397532-C-G. GRCh37 (hg19) VCF-style: chr19-40903439-C-G.
Other names: c.*1025G>C (NM_020956.2); short protein forms G274R.
Identifiers: ClinVar variation 1384106 (VCV001384106.8), dbSNP rs750022799, ClinGen allele CA9444379.
Genomic context (GRCh38, chr19:40,397,532, plus strand): 5'-GGGGGACCTGGATTCCCACGGCTGGGGCCTCCACAGCAGGCGGAGCCGGGGCTCCGAGCC[C>G]AAGGGTTGGCAGGTGGAGGGCAAAGCCACCAGCTGCCTCTGCTGAGGGGGCAGCCTTGGG-3'
Protein context (NP_870998.2, residues 264-284): GGFALHLPTL[Gly274Arg]LGAPAPPAVE